The following is an entry in ClinVar:

NM_015450.3(POT1):c.1076A>G (p.Gln359Arg)

Gene: POT1 (protection of telomeres 1; minus strand). Cytogenetic location: 7q31.33.
Variant type: single nucleotide variant.
Coding change: c.1076A>G on transcript NM_015450.3 (MANE Select); coding-DNA position 1076, A replaced by G.
Protein change: p.Gln359Arg; replaces glutamine 359 with arginine.
Molecular consequence: missense variant. On other transcripts: non-coding transcript variant (3).
Genome position (GRCh38, 1-based): chr7:124,842,894, T>C on the plus strand (A>G on the coding strand, the complement: POT1 is on the minus strand). VCF-style: chr7-124842894-T-C. GRCh37 (hg19) VCF-style: chr7-124482948-T-C.
Other names: c.683A>G, p.Gln228Arg (NM_001042594.2); short protein forms Q228R, Q359R.
Identifiers: ClinVar variation 2560805 (VCV002560805.2), dbSNP rs755330949, ClinGen allele CA4465233.

ClinVar aggregate classification (germline): Uncertain significance (1 of 4 stars; one submission).

Conditions:
Hereditary cancer-predisposing syndrome. Also called: Neoplastic Syndromes, Hereditary; Hereditary Cancer Syndrome; Hereditary neoplastic syndrome; Tumor predisposition. Identifiers: Orphanet 140162, MedGen C0027672, MeSH D009386, MONDO:0015356.

Allele frequency attached by ClinVar (database versions not stated): ExAC 0.00001.

Submission:

Ambry Genetics
Classification: Uncertain significance for Hereditary cancer-predisposing syndrome. Last evaluated: 2023-04-09. Review status: criteria provided, single submitter. Criteria: Ambry Variant Classification Scheme 2023. Collection method: clinical testing. Allele origin: germline.
Comment: The p.Q359R variant (also known as c.1076A>G), located in coding exon 9 of the POT1 gene, results from an A to G substitution at nucleotide position 1076. The glutamine at codon 359 is replaced by arginine, an amino acid with highly similar properties. This amino acid position is conserved. In addition, this alteration is predicted to be tolerated by in silico analysis. Since supporting evidence is limited at this time, the clinical significance of this alteration remains unclear.